The following is an entry in ClinVar:

NM_003640.5(ELP1):c.650-7C>T

Gene: ELP1 (elongator acetyltransferase complex subunit 1; minus strand). Cytogenetic location: 9q31.3.
Variant type: single nucleotide variant.
Coding change: c.650-7C>T on transcript NM_003640.5 (MANE Select); 7 bases into the intron before coding-DNA position 650, C replaced by T.
Molecular consequence: intron variant.
Genome position (GRCh38, 1-based): chr9:108,918,908, G>A on the plus strand (C>T on the coding strand, the complement: ELP1 is on the minus strand). VCF-style: chr9-108918908-G-A. GRCh37 (hg19) VCF-style: chr9-111681188-G-A.
Other names: c.650-7C>T (LRG_251t1, NM_003640.4); c.308-7C>T (NM_001318360.2); c.-307-1238C>T (NM_001330749.2).
Identifiers: ClinVar variation 455972 (VCV000455972.14), dbSNP rs368410371, ClinGen allele CA5175275.

ClinVar aggregate classification (germline): Likely benign. Review status: criteria provided, multiple submitters, no conflicts (2 of 4 stars). 5 submissions from 5 submitters: Likely benign (3). 2 of the submissions do not count toward it. Last evaluated 2025-12-15.

Conditions:
ELP1-related disorder. Also called: ELP1-related condition.
Familial dysautonomia. Also called: FD; HSAN III. Identifiers: Orphanet 1764, MedGen C0013364, MONDO:0009131, OMIM 223900. Disease mechanism: loss of function.

Allele frequency attached by ClinVar (database versions not stated): gnomAD exomes 0.00004 and 0.00013; ExAC 0.00012; ESP Exome Variant Server 0.00015; TOPMed 0.00018; gnomAD 0.00021 and 0.00022.
gnomAD v4.1: 92 of 1,610,312 alleles (0.0057%); highest among the groups gnomAD compares: Admixed American, 0.045%; 1 homozygote.

Submissions (5):

Labcorp Genetics (formerly Invitae), Labcorp
Classification: Likely benign. Last evaluated: 2025-12-15. Review status: criteria provided, single submitter. Criteria: Invitae Variant Classification Sherloc (09022015). Collection method: clinical testing. Allele origin: germline.

Women's Health and Genetics/Laboratory Corporation of America, LabCorp
Classification: Likely benign. Last evaluated: 2025-09-17. Review status: criteria provided, single submitter. Criteria: LabCorp Variant Classification Summary - May 2015. Collection method: clinical testing. Allele origin: germline.
Comment: Variant summary: ELP1 c.650-7C>T alters a nucleotide located at a position not widely known to affect splicing. Consensus agreement among computation tools predict no significant impact on normal splicing. However, these predictions have yet to be confirmed by functional studies. The variant allele was found at a frequency of 0.00013 in 282788 control chromosomes. This frequency is not significantly higher than estimated for disease-causing variants in ELP1, allowing no conclusion about variant significance. To our knowledge, no occurrence of c.650-7C>T in individuals affected with ELP1-related conditions and no experimental evidence demonstrating its impact on protein function have been reported. ClinVar contains an entry for this variant (Variation ID: 455972). Based on the evidence outlined above, the variant was classified as likely benign.

GeneDx
Classification: Likely benign. Last evaluated: 2017-11-17. Review status: criteria provided, single submitter. Criteria: GeneDx Variant Classification (06012015). Collection method: clinical testing. Allele origin: germline. Affected: yes.
Comment: This variant is considered likely benign or benign based on one or more of the following criteria: it is a conservative change, it occurs at a poorly conserved position in the protein, it is predicted to be benign by multiple in silico algorithms, and/or has population frequency not consistent with disease.

Natera, Inc.
Classification: Uncertain significance for Hereditary sensory and autonomic neuropathy type III. Last evaluated: 2020-01-17. Review status: no assertion criteria provided. Collection method: clinical testing. Allele origin: germline. Not counted in ClinVar's aggregate classification.

PreventionGenetics, part of Exact Sciences
Classification: Likely benign for ELP1-related condition. Last evaluated: 2019-08-27. Review status: no assertion criteria provided. Collection method: clinical testing. Allele origin: germline. Not counted in ClinVar's aggregate classification.
Comment: This variant is classified as likely benign based on ACMG/AMP sequence variant interpretation guidelines (Richards et al. 2015 PMID: 25741868, with internal and published modifications).